The following is an entry in ClinVar:

NM_000038.6(APC):c.136-219C>A

Gene: APC (APC regulator of WNT signaling pathway; plus strand). Cytogenetic location: 5q22.2.
Variant type: single nucleotide variant.
Coding change: c.136-219C>A on transcript NM_000038.6 (MANE Select); 219 bases into the intron before coding-DNA position 136, C replaced by A.
Molecular consequence: intron variant.
Genome position (GRCh38, 1-based): chr5:112,766,107, C>A. VCF-style: chr5-112766107-C-A. GRCh37 (hg19) VCF-style: chr5-112101804-C-A.
Other names: c.136-219C>A (NM_001354895.2, NM_001127510.3, NM_001354896.2 and 2 more transcripts); c.166-219C>A (NM_001354897.2, NM_001354902.2, NM_001127511.3); c.61-219C>A (NM_001354898.2, NM_001354904.2); c.-900-219C>A (NM_001354906.2); c.-42-219C>A (NM_001354900.2, NM_001354901.2, NM_001354905.2).
Identifiers: ClinVar variation 82397 (VCV000082397.2), dbSNP rs77470563, ClinGen allele CA004545.
Genomic context (GRCh38, chr5:112,766,107, plus strand): 5'-CATTGTTGGTTTTTAGGTTTGAAATAATGAATGTATCTTAAATGTGTTTCTAATACCTTG[C>A]ACAGAGACTCCCCATAATCACCATTATCTCAAAATATCACTATTATTATTTGGCCATGAT-3'

ClinVar aggregate classification (germline): other (0 of 4 stars; one submission).

Conditions:
Familial colorectal cancer. Identifiers: MedGen CN280943, MONDO:0023113. Disease mechanism: loss of function.

Submission:

Systems Biology Platform Zhejiang California International NanoSystems Institute
Classification: other for Familial colorectal cancer. Review status: no assertion criteria provided. Collection method: not provided. Allele origin: unknown.
ClinVar note: Converted during submission from cancer to other.